The following is an entry in ClinVar:

ClinVar aggregate classification (germline): Uncertain significance (1 of 4 stars; one submission).

Submission:

GeneDx
Classification: Uncertain significance. Last evaluated: 2023-02-16. Review status: criteria provided, single submitter. Criteria: GeneDx Variant Classification Process June 2021. Collection method: clinical testing. Allele origin: germline. Affected: yes.
Comment: Not observed at significant frequency in large population cohorts (gnomAD); In silico analysis supports that this missense variant has a deleterious effect on protein structure/function; Has not been previously published as pathogenic or benign to our knowledge

NM_001348716.2(KDM6B):c.3494C>T (p.Ser1165Phe)

Gene: KDM6B (lysine demethylase 6B; plus strand). Cytogenetic location: 17p13.1.
Variant type: single nucleotide variant.
Coding change: c.3494C>T on transcript NM_001348716.2 (MANE Select); coding-DNA position 3494, C replaced by T.
Protein change: p.Ser1165Phe; replaces serine 1165 with phenylalanine.
Molecular consequence: missense variant.
Genome position (GRCh38, 1-based): chr17:7,849,874, C>T. VCF-style: chr17-7849874-C-T. GRCh37 (hg19) VCF-style: chr17-7753192-C-T.
Other names: c.3494C>T, p.Ser1165Phe (NM_001080424.2); short protein forms S1165F.
Identifiers: ClinVar variation 2576663 (VCV002576663.1), dbSNP rs2078656824, ClinGen allele CA397924005.